The following is an entry in ClinVar:

NM_001372.4(DNAH9):c.6847+1G>A

Gene: DNAH9 (dynein axonemal heavy chain 9; plus strand). Cytogenetic location: 17p12.
Variant type: single nucleotide variant.
Coding change: c.6847+1G>A on transcript NM_001372.4 (MANE Select); the canonical splice donor site of the intron after coding-DNA position 6847, G replaced by A.
Molecular consequence: splice donor variant.
Genome position (GRCh38, 1-based): chr17:11,756,677, G>A. VCF-style: chr17-11756677-G-A. GRCh37 (hg19) VCF-style: chr17-11659994-G-A.
Other names: c.6847+1G>A (NM_001372.3).
Identifiers: ClinVar variation 2724515 (VCV002724515.5), dbSNP rs369930361, ClinGen allele CA8396429.

ClinVar aggregate classification (germline): Likely pathogenic. Review status: criteria provided, multiple submitters, no conflicts (2 of 4 stars). 3 submissions from 3 submitters: Likely pathogenic (2). 1 of the submissions does not count toward it. Last evaluated 2025-03-18.

Conditions:
Ciliary dyskinesia, primary, 40. Also called: CILIARY DYSKINESIA, PRIMARY, 40, WITH OR WITHOUT SITUS INVERSUS. Identifiers: MedGen C4749028, MONDO:0032664, OMIM 618300.
DNAH9-related disorder. Also called: DNAH9-related condition.

Allele frequency attached by ClinVar (database versions not stated): ExAC 0.00002; TOPMed 0.00005; gnomAD exomes 0.00002; ESP Exome Variant Server 0.00008; gnomAD 0.00005.
gnomAD v4.1: 37 of 1,592,156 alleles (0.0023%); highest among the groups gnomAD compares: Non-Finnish European, 0.0032%; no homozygotes.

Submissions (3):

Labcorp Genetics (formerly Invitae), Labcorp
Classification: Likely pathogenic. Last evaluated: 2025-03-18. Review status: criteria provided, single submitter. Criteria: Invitae Variant Classification Sherloc (09022015). Collection method: clinical testing. Allele origin: germline.
Comment: This sequence change affects a donor splice site in intron 34 of the DNAH9 gene. It is expected to disrupt RNA splicing. Variants that disrupt the donor or acceptor splice site typically lead to a loss of protein function (PMID: 16199547), and loss-of-function variants in DNAH9 are known to be pathogenic (PMID: 30471718). This variant is present in population databases (rs369930361, gnomAD 0.005%). This variant has not been reported in the literature in individuals affected with DNAH9-related conditions. ClinVar contains an entry for this variant (Variation ID: 2724515). Algorithms developed to predict the effect of sequence changes on RNA splicing suggest that this variant may disrupt the consensus splice site. In summary, the currently available evidence indicates that the variant is pathogenic, but additional data are needed to prove that conclusively. Therefore, this variant has been classified as Likely Pathogenic.

Department of Pathology and Laboratory Medicine, Sinai Health System
Classification: Likely pathogenic for Ciliary dyskinesia, primary, 40. Last evaluated: 2020-06-01. Review status: criteria provided, single submitter. Criteria: ACMG Guidelines, 2015. Collection method: research. Allele origin: germline.

PreventionGenetics, part of Exact Sciences
Classification: Likely pathogenic for DNAH9-related condition. Last evaluated: 2024-04-08. Review status: no assertion criteria provided. Collection method: clinical testing. Allele origin: germline. Not counted in ClinVar's aggregate classification.
Comment: The DNAH9 c.6847+1G>A variant is predicted to disrupt the GT donor site and interfere with normal splicing. To our knowledge, this variant has not been reported in the literature. This variant is reported in 0.0062% of alleles in individuals of European (Non-Finnish) descent in gnomAD. Variants that disrupt the consensus splice donor site in DNAH9 are expected to be pathogenic. This variant is interpreted as likely pathogenic.

Literature cited by the submitters: PubMed 16199547 (cited by Labcorp Genetics (formerly Invitae), Labcorp); PubMed 30471718 (cited by Labcorp Genetics (formerly Invitae), Labcorp).